The following is an entry in ClinVar:

NM_001352514.2(HLCS):c.*3247A>G

Gene: HLCS (holocarboxylase synthetase; minus strand). Cytogenetic location: 21q22.13.
Variant type: single nucleotide variant.
Coding change: c.*3247A>G on transcript NM_001352514.2 (MANE Select); 3247 bases downstream of the stop codon, A replaced by G.
Molecular consequence: 3 prime UTR variant. On other transcripts: non-coding transcript variant (2).
Genome position (GRCh38, 1-based): chr21:36,750,999, T>C on the plus strand (A>G on the coding strand, the complement: HLCS is on the minus strand). VCF-style: chr21-36750999-T-C. GRCh37 (hg19) VCF-style: chr21-38123300-T-C.
Other names: c.*3247A>G (NM_000411.8, NM_001242784.3, NM_001242785.2 and 4 more transcripts).
Identifiers: ClinVar variation 339909 (VCV000339909.5), dbSNP rs114061673, ClinGen allele CA10644661.

ClinVar aggregate classification (germline): Likely benign (1 of 4 stars; one submission).

Conditions:
Holocarboxylase synthetase deficiency. Also called: MULTIPLE CARBOXYLASE DEFICIENCY, EARLY ONSET. Identifiers: Orphanet 79242, MedGen C0268581, MONDO:0009666, OMIM 253270.

Allele frequency attached by ClinVar (database versions not stated): 1000 Genomes Project 0.00319; 1000 Genomes Project 30x 0.00328; gnomAD 0.00358 and 0.00386; TOPMed 0.00405.

Submission:

Illumina Laboratory Services, Illumina
Classification: Likely benign for Holocarboxylase synthetase deficiency. Last evaluated: 2018-01-13. Review status: criteria provided, single submitter. Criteria: ICSL Variant Classification Criteria 13 December 2019. Collection method: clinical testing. Allele origin: germline.
Comment: This variant was observed in the ICSL laboratory as part of a predisposition screen in an ostensibly healthy population. It had not been previously curated by ICSL or reported in the Human Gene Mutation Database (HGMD: prior to June 1st, 2018), and was therefore a candidate for classification through an automated scoring system. Utilizing variant allele frequency, disease prevalence and penetrance estimates, and inheritance mode, an automated score was calculated to assess if this variant is too frequent to cause the disease. Based on the score and internal cut-off values, a variant classified as likely benign is not then subjected to further curation. The score for this variant resulted in a classification of likely benign for this disease.